The following is an entry in ClinVar:

NM_001875.5(CPS1):c.3276_3288del (p.Phe1092fs)

Gene: CPS1 (carbamoyl-phosphate synthase 1; plus strand). Cytogenetic location: 2q34.
Variant type: Deletion.
Coding change: c.3276_3288del on transcript NM_001875.5 (MANE Select); coding-DNA positions 3276 to 3288, 13 bases deleted (CTCAGCTGTCTTG).
Protein change: p.Phe1092fs; shifts the reading frame from phenylalanine 1092.
Molecular consequence: frameshift variant. On other transcripts: non-coding transcript variant (2).
Genome position (GRCh38, 1-based): chr2:210,647,997-210,648,009, CTCAGCTGTCTTG deleted. VCF-style (leftmost placement, unchanged base first): chr2-210647996-TCTCAGCTGTCTTG-T. GRCh37 (hg19) VCF-style: chr2-211512720-TCTCAGCTGTCTTG-T.
Other names: c.3276_3288del, p.Phe1092fs (NM_001122633.3, NM_001369257.1); c.3309_3321del, p.Phe1103fs (NM_001369256.1); short protein forms F1092fs, F1103fs.
Identifiers: ClinVar variation 2680904 (VCV002680904.4), dbSNP rs777691939, ClinGen allele CA2086877.

ClinVar aggregate classification (germline): Pathogenic/Likely pathogenic. Review status: criteria provided, multiple submitters, no conflicts (2 of 4 stars). 2 submissions from 2 submitters: Pathogenic (1); Likely pathogenic (1). Last evaluated 2023-01-28.

Conditions:
Pulmonary hypertension, neonatal, susceptibility to (PHN). Identifiers: MedGen C3714958, MONDO:0014151, OMIM 615371.
Congenital hyperammonemia, type I. Also called: Carbamoyl-phosphate synthase I deficiency; CPS I DEFICIENCY; Carbamoyl phosphate synthetase I deficiency disease; Carbamoyl phosphate synthetase 1 deficiency; Hyperammonemia due to carbamoyl phosphate synthetase 1 deficiency; CPS 1 deficiency. Identifiers: Orphanet 147, MedGen C4082171, MONDO:0009376, OMIM 237300.

Allele frequency attached by ClinVar (database versions not stated): ExAC 0.00001; gnomAD exomes 0.00002.

Submissions (2):

Labcorp Genetics (formerly Invitae), Labcorp
Classification: Pathogenic for Congenital hyperammonemia, type I. Last evaluated: 2023-01-28. Review status: criteria provided, single submitter. Criteria: Invitae Variant Classification Sherloc (09022015). Collection method: clinical testing. Allele origin: germline.
Comment: For these reasons, this variant has been classified as Pathogenic. This variant has not been reported in the literature in individuals affected with CPS1-related conditions. This variant is present in population databases (rs777691939, gnomAD 0.0009%). This sequence change creates a premature translational stop signal (p.Phe1092Leufs*4) in the CPS1 gene. It is expected to result in an absent or disrupted protein product. Loss-of-function variants in CPS1 are known to be pathogenic (PMID: 21120950).

Baylor Genetics
Classification: Likely pathogenic for Pulmonary hypertension, neonatal, susceptibility to. Last evaluated: 2022-12-28. Review status: criteria provided, single submitter. Criteria: ACMG Guidelines, 2015. Collection method: clinical testing. Allele origin: unknown.

Literature cited by the submitters: PubMed 21120950 (cited by Labcorp Genetics (formerly Invitae), Labcorp).